The following is an entry in ClinVar:

NM_003242.6(TGFBR2):c.1639C>T (p.Leu547Phe)

Gene: TGFBR2 (transforming growth factor beta receptor 2; plus strand). Cytogenetic location: 3p24.1.
Variant type: single nucleotide variant.
Coding change: c.1639C>T on transcript NM_003242.6 (MANE Select); coding-DNA position 1639, C replaced by T.
Protein change: p.Leu547Phe; replaces leucine 547 with phenylalanine.
Molecular consequence: missense variant.
Genome position (GRCh38, 1-based): chr3:30,691,534, C>T. VCF-style: chr3-30691534-C-T. GRCh37 (hg19) VCF-style: chr3-30733026-C-T.
Other names: c.1714C>T, p.Leu572Phe (NM_001024847.3); c.1822C>T, p.Leu608Phe (NM_001407126.1); c.1747C>T, p.Leu583Phe (NM_001407127.1); c.1666C>T, p.Leu556Phe (NM_001407128.1); c.1642C>T, p.Leu548Phe (NM_001407129.1); c.1636C>T, p.Leu546Phe (NM_001407130.1); c.1534C>T, p.Leu512Phe (NM_001407132.1, NM_001407133.1, NM_001407134.1 and 2 more transcripts); c.1354C>T, p.Leu452Phe (NM_001407137.1); and 2 more; short protein forms L427F, L512F, L546F, L556F, L572F, L583F, L608F, L257F.
Identifiers: ClinVar variation 3704677 (VCV003704677.2).
Genomic context (GRCh38, chr3:30,691,534, plus strand): 5'-GCCCGTCTCACAGCCCAGTGTGTGGCAGAACGCTTCAGTGAGCTGGAGCATCTGGACAGG[C>T]TCTCGGGGAGGAGCTGCTCGGAGGAGAAGATTCCTGAAGACGGCTCCCTAAACACTACCA-3'
Protein context (NP_003233.4, residues 537-557): RFSELEHLDR[Leu547Phe]SGRSCSEEKI

ClinVar aggregate classification (germline): Uncertain significance (1 of 4 stars; one submission).

Conditions:
Familial thoracic aortic aneurysm and aortic dissection (TAAD). Also called: Thoracic aortic aneurysms and dissections. Identifiers: Orphanet 91387, MedGen C4707243, MONDO:0019625.

gnomAD v4.1: 2 of 1,614,150 alleles (0.00012%); highest among the groups gnomAD compares: South Asian, 0.0011%; no homozygotes.

Submission:

Labcorp Genetics (formerly Invitae), Labcorp
Classification: Uncertain significance for Familial thoracic aortic aneurysm and aortic dissection. Last evaluated: 2025-12-02. Review status: criteria provided, single submitter. Criteria: Invitae Variant Classification Sherloc (09022015). Collection method: clinical testing. Allele origin: germline.
Comment: This sequence change replaces leucine, which is neutral and non-polar, with phenylalanine, which is neutral and non-polar, at codon 547 of the TGFBR2 protein (p.Leu547Phe). This variant is present in population databases (rs752099306, gnomAD 0.003%). This variant has not been reported in the literature in individuals affected with TGFBR2-related conditions. ClinVar contains an entry for this variant (Variation ID: 3704677). Invitae Evidence Modeling of protein sequence and biophysical properties (such as structural, functional, and spatial information, amino acid conservation, physicochemical variation, residue mobility, and thermodynamic stability) has been performed for this missense variant. However, the output from this modeling did not meet the statistical confidence thresholds required to predict the impact of this variant on TGFBR2 protein function. In summary, the available evidence is currently insufficient to determine the role of this variant in disease. Therefore, it has been classified as a Variant of Uncertain Significance.